The following is an entry in ClinVar:

ClinVar aggregate classification (germline): Uncertain significance (1 of 4 stars; one submission).

Conditions:
Epidermolysis bullosa simplex 3, localized or generalized intermediate, with BP230 deficiency (EBS3). Also called: Epidermolysis bullosa simplex due to BP230 deficiency; Epidermolysis bullosa simplex, autosomal recessive 2. Identifiers: Orphanet 412181, MedGen C3809470, MONDO:0014180, OMIM 615425.
Hereditary sensory and autonomic neuropathy type 6. Also called: Neuropathy, hereditary sensory and autonomic, type VI; HSAN VI. Identifiers: Orphanet 314381, MedGen C3539003, MONDO:0013839, OMIM 614653.

gnomAD v4.1: 1 of 1,612,642 alleles (0.000062%); highest among the groups gnomAD compares: Non-Finnish European, 0.000085%; no homozygotes.

Submission:

Labcorp Genetics (formerly Invitae), Labcorp
Classification: Uncertain significance for Epidermolysis bullosa simplex 3, localized or generalized intermediate, with BP230 deficiency; Hereditary sensory and autonomic neuropathy type 6. Last evaluated: 2024-02-11. Review status: criteria provided, single submitter. Criteria: Invitae Variant Classification Sherloc (09022015). Collection method: clinical testing. Allele origin: germline.
Comment: The DST gene has multiple clinically relevant transcripts. This variant occurs in alternate transcript NM_015548.4, and corresponds to NM_001723.5:c.*122538A>C in the primary transcript. This sequence change affects codon 4212 of the DST mRNA. It is a 'silent' change, meaning that it does not change the encoded amino acid sequence of the DST protein. This variant is present in population databases (rs760128424, gnomAD 0.0009%). This variant has not been reported in the literature in individuals affected with DST-related conditions. Experimental studies and prediction algorithms are not available or were not evaluated, and the effect of this variant on mRNA splicing is currently unknown. In summary, the available evidence is currently insufficient to determine the role of this variant in disease. Therefore, it has been classified as a Variant of Uncertain Significance.

NM_001374736.1(DST):c.20505A>C (p.Pro6835=)

Gene: DST (dystonin; minus strand). Cytogenetic location: 6p12.1.
Variant type: single nucleotide variant.
Coding change: c.20505A>C on transcript NM_001374736.1 (MANE Select); coding-DNA position 20505, A replaced by C.
Protein change: p.Pro6835=; no amino-acid change (proline 6835 retained).
Molecular consequence: synonymous variant.
Genome position (GRCh38, 1-based): chr6:56,492,979, T>G on the plus strand (A>C on the coding strand, the complement: DST is on the minus strand). VCF-style: chr6-56492979-T-G. GRCh37 (hg19) VCF-style: chr6-56357777-T-G.
Other names: c.14148A>C, p.Pro4716= (NM_001144769.5); c.13734A>C, p.Pro4578= (NM_001144770.2); c.20505A>C, p.Pro6835= (NM_001374722.1); c.19545A>C, p.Pro6515= (NM_001374729.1); c.13287A>C, p.Pro4429= (NM_001374730.1); c.20532A>C, p.Pro6844= (NM_001374734.1); c.13614A>C, p.Pro4538= (NM_001386100.1, NM_183380.4); c.12636A>C, p.Pro4212= (NM_015548.5).
Identifiers: ClinVar variation 3762138 (VCV003762138.2).